The following is an entry in ClinVar:

ClinVar aggregate classification (germline): Uncertain significance (1 of 4 stars; one submission).

Conditions:
SIGMAR1-related disorder. Also called: SIGMAR1-related condition.

Submission:

PreventionGenetics, part of Exact Sciences
Classification: Uncertain significance for SIGMAR1-related condition. Last evaluated: 2026-08-21. Review status: criteria provided, single submitter. Criteria: ACMG Guidelines, 2015. Collection method: clinical testing. Allele origin: germline.
Comment: The SIGMAR1 c.611G>A variant is predicted to result in the amino acid substitution p.Arg204His. To our knowledge, this variant has not been reported in the literature. This variant is reported in 0.012% of alleles in individuals of African descent in gnomAD. At this time, the clinical significance of this variant is uncertain due to the absence of conclusive functional and genetic evidence.

NM_005866.4(SIGMAR1):c.611G>A (p.Arg204His)

Gene: SIGMAR1 (sigma receptor chaperone 1; minus strand). Cytogenetic location: 9p13.3.
Variant type: single nucleotide variant.
Coding change: c.611G>A on transcript NM_005866.4 (MANE Select); coding-DNA position 611, G replaced by A.
Protein change: p.Arg204His; replaces arginine 204 with histidine.
Molecular consequence: missense variant. On other transcripts: 3 prime UTR variant (2), non-coding transcript variant (1), intron variant (1).
Genome position (GRCh38, 1-based): chr9:34,635,693, C>T on the plus strand (G>A on the coding strand, the complement: SIGMAR1 is on the minus strand). VCF-style: chr9-34635693-C-T. GRCh37 (hg19) VCF-style: chr9-34635690-C-T.
Other names: c.311G>A, p.Arg104His (NM_001282206.2); c.551G>A, p.Arg184His (NM_001282207.2); c.*154G>A (NM_001282208.2); c.*138G>A (NM_001282209.2); c.518G>A, p.Arg173His (NM_147157.3); c.446-53G>A (NM_001282205.2); short protein forms R104H, R204H, R173H, R184H.
Identifiers: ClinVar variation 4983564 (VCV004983564.1).
Genomic context (GRCh38, chr9:34,635,693, plus strand): 5'-CAAGGGTCCTGGCCAAAGAGGTAGGTGGTGAGCTCAAGCCGGAGGCCCCGAGCATAGGAG[C>T]GAAGAGTATAGAAGAGGGTGAGGAAGTCCTGGGTGCTGAAGACAGTGTCGGCCAGCGCGA-3'
Protein context (NP_005857.1, residues 194-214): QDFLTLFYTL[Arg204His]SYARGLRLEL